The following is an entry in ClinVar:

NM_182641.4(BPTF):c.28A>C (p.Lys10Gln)

Gene: BPTF (bromodomain PHD finger transcription factor; plus strand). Cytogenetic location: 17q24.2.
Variant type: single nucleotide variant.
Coding change: c.28A>C on transcript NM_182641.4 (MANE Select); coding-DNA position 28, A replaced by C.
Protein change: p.Lys10Gln; replaces lysine 10 with glutamine.
Molecular consequence: missense variant.
Genome position (GRCh38, 1-based): chr17:67,825,752, A>C. VCF-style: chr17-67825752-A-C. GRCh37 (hg19) VCF-style: chr17-65821868-A-C.
Other names: c.28A>C, p.Lys10Gln (NM_004459.7); short protein forms K10Q.
Identifiers: ClinVar variation 2626986 (VCV002626986.1), dbSNP rs938655770, ClinGen allele CA293236417.
Genomic context (GRCh38, chr17:67,825,752, plus strand): 5'-TCGCTTTCCTTCTCCCCCCGCCTCGGCTCCGACATGAGGGGCCGGCGGGGCAGGCCGCCC[A>C]AGCAGCCCGCGGCTCCCGCTGCGGAGCGCTGCGCCCCGGCCCCGCCGCCACCGCCGCCGC-3'
Protein context (NP_872579.2, residues 1-20): MRGRRGRPP[Lys10Gln]QPAAPAAERC

ClinVar aggregate classification (germline): Uncertain significance (1 of 4 stars; one submission).

Submission:

Greenwood Genetic Center Diagnostic Laboratories, Greenwood Genetic Center
Classification: Uncertain significance. Last evaluated: 2023-07-17. Review status: criteria provided, single submitter. Criteria: ACMG Guidelines, 2015. Collection method: clinical testing. Allele origin: germline. Affected: yes.
Comment: PM2